The following is an entry in ClinVar:

NM_016507.4(CDK12):c.4061A>G (p.Asp1354Gly)

Gene: CDK12 (cyclin dependent kinase 12; plus strand). Cytogenetic location: 17q12.
Variant type: single nucleotide variant.
Coding change: c.4061A>G on transcript NM_016507.4 (MANE Select); coding-DNA position 4061, A replaced by G.
Protein change: p.Asp1354Gly; replaces aspartic acid 1354 with glycine.
Molecular consequence: missense variant.
Genome position (GRCh38, 1-based): chr17:39,530,904, A>G. VCF-style: chr17-39530904-A-G. GRCh37 (hg19) VCF-style: chr17-37687157-A-G.
Other names: c.4034A>G, p.Asp1345Gly (NM_015083.4); short protein forms D1354G, D1345G.
Identifiers: ClinVar variation 4224379 (VCV004224379.1).

ClinVar aggregate classification (germline): Uncertain significance (1 of 4 stars; one submission).

Submission:

Ambry Genetics
Classification: Uncertain significance. Last evaluated: 2025-08-12. Review status: criteria provided, single submitter. Criteria: Ambry Variant Classification Scheme 2023. Collection method: clinical testing. Allele origin: germline.
Comment: The p.D1354G variant (also known as c.4061A>G), located in coding exon 14 of the CDK12 gene, results from an A to G substitution at nucleotide position 4061. The aspartic acid at codon 1354 is replaced by glycine, an amino acid with similar properties. This amino acid position is conserved. In addition, the in silico prediction for this alteration is inconclusive. Based on the available evidence, the clinical significance of this variant remains unclear.